The following is an entry in ClinVar:

ClinVar aggregate classification (germline): Benign. Review status: criteria provided, single submitter (1 of 4 stars). 4 submissions from 4 submitters: Benign (1). 3 of the submissions do not count toward it.

Conditions:
Spinocerebellar ataxia type 2 (SCA2). Also called: CEREBELLAR DEGENERATION WITH SLOW EYE MOVEMENTS; OLIVOPONTOCEREBELLAR ATROPHY II; SPINOCEREBELLAR ATROPHY II. Identifiers: Orphanet 98756, MedGen C0752121, MONDO:0008458, OMIM 183090.

Allele frequency attached by ClinVar (database versions not stated): 1000 Genomes Project 30x 0.44300; 1000 Genomes Project 0.44429; TOPMed 0.57103; gnomAD 0.60702 and 0.61029; ExAC 0.71860; gnomAD exomes 0.75608 and 0.78669.
gnomAD v4.1: 917,200 of 1,245,850 alleles (74%); highest among the groups gnomAD compares: Non-Finnish European, 78%; 351,651 homozygotes.

Submissions (4):

Breakthrough Genomics
Classification: Benign. Review status: criteria provided, single submitter. Criteria: ACMG Guidelines, 2015. Collection method: not provided. Allele origin: germline. Inheritance: Autosomal dominant inheritance. Affected: yes.

Genome Diagnostics Laboratory, Amsterdam University Medical Center
Classification: Benign for Spinocerebellar ataxia type 2. Last evaluated: 2015-10-06. Review status: no assertion criteria provided. Criteria: ACGS Guidelines, 2013. Collection method: clinical testing. Allele origin: germline. Affected: yes. Study: VKGL Data-share Consensus. Not counted in ClinVar's aggregate classification.

Clinical Genetics, Academic Medical Center
Classification: Benign. Review status: no assertion criteria provided. Collection method: clinical testing. Allele origin: germline. Affected: yes. Study: VKGL Data-share Consensus. Not counted in ClinVar's aggregate classification.

Genetic Services Laboratory, University of Chicago
Classification: Likely benign for AllHighlyPenetrant. Review status: no assertion criteria provided. Collection method: clinical testing. Allele origin: germline. Inheritance: Autosomal dominant inheritance. Not counted in ClinVar's aggregate classification.
Comment: Likely benign based on allele frequency in 1000 Genomes Project or ESP global frequency and its presence in a patient with a rare or unrelated disease phenotype. NOT Sanger confirmed.

NM_001372574.1(ATXN2):c.-91C>T

Genes: ATXN2 (ataxin 2; minus strand), LOC130008792 (ATAC-STARR-seq lymphoblastoid silent region 4873; plus strand). Cytogenetic location: 12q24.12.
Variant type: single nucleotide variant.
Coding change: c.-91C>T on transcript NM_001372574.1 (MANE Select); 91 bases upstream of the start codon, C replaced by T.
Molecular consequence: 5 prime UTR variant. On other transcripts: non-coding transcript variant (1), intron variant (2).
Genome position (GRCh38, 1-based): chr12:111,599,125, G>A on the plus strand (C>T on the coding strand, the complement: ATXN2 is on the minus strand). VCF-style: chr12-111599125-G-A. GRCh37 (hg19) VCF-style: chr12-112036929-G-A.
Other names: c.-91C>T (NM_002973.4); c.-28+450C>T (NM_001310123.1); c.-65+450C>T (NM_001310121.1).
Identifiers: ClinVar variation 128508 (VCV000128508.11), dbSNP rs695872, ClinGen allele CA151999.